The following is an entry in ClinVar:

NM_015512.5(DNAH1):c.10969-2A>C

Gene: DNAH1 (dynein axonemal heavy chain 1; plus strand). Cytogenetic location: 3p21.1.
Variant type: single nucleotide variant.
Coding change: c.10969-2A>C on transcript NM_015512.5 (MANE Select); the canonical splice acceptor site of the intron before coding-DNA position 10969, A replaced by C.
Molecular consequence: splice acceptor variant.
Genome position (GRCh38, 1-based): chr3:52,395,306, A>C. VCF-style: chr3-52395306-A-C. GRCh37 (hg19) VCF-style: chr3-52429322-A-C.
Identifiers: ClinVar variation 2934434 (VCV002934434.3), dbSNP rs966601664, ClinGen allele CA74785440.

ClinVar aggregate classification (germline): Likely pathogenic (1 of 4 stars; one submission).

Conditions:
Spermatogenic failure 18. Identifiers: MedGen C4539783, MONDO:0054615, OMIM 617576.
Ciliary dyskinesia, primary, 37 (CILD37). Also called: CILIARY DYSKINESIA, PRIMARY, 37, WITH OR WITHOUT SITUS INVERSUS. Identifiers: MedGen C4539798, MONDO:0033204, OMIM 617577.

Allele frequency attached by ClinVar (database versions not stated): gnomAD exomes below 0.00001; TOPMed 0.00001.
gnomAD v4.1: 5 of 1,613,108 alleles (0.00031%); highest among the groups gnomAD compares: Non-Finnish European, 0.00025%; no homozygotes.

Submission:

Labcorp Genetics (formerly Invitae), Labcorp
Classification: Likely pathogenic for Ciliary dyskinesia, primary, 37; Spermatogenic failure 18. Last evaluated: 2024-12-10. Review status: criteria provided, single submitter. Criteria: Invitae Variant Classification Sherloc (09022015). Collection method: clinical testing. Allele origin: germline.
Comment: This sequence change affects an acceptor splice site in intron 68 of the DNAH1 gene. It is expected to disrupt RNA splicing. Variants that disrupt the donor or acceptor splice site typically lead to a loss of protein function (PMID: 16199547), and loss-of-function variants in DNAH1 are known to be pathogenic (PMID: 27573432, 27798045). This variant is present in population databases (no rsID available, gnomAD 0.007%). This variant has not been reported in the literature in individuals affected with DNAH1-related conditions. ClinVar contains an entry for this variant (Variation ID: 2934434). Algorithms developed to predict the effect of sequence changes on RNA splicing suggest that this variant may disrupt the consensus splice site. In summary, the currently available evidence indicates that the variant is pathogenic, but additional data are needed to prove that conclusively. Therefore, this variant has been classified as Likely Pathogenic.

Literature cited by the submitters: PubMed 16199547; PubMed 27573432; PubMed 27798045.